The following is an entry in ClinVar:

ClinVar aggregate classification (germline): Likely pathogenic. Review status: criteria provided, multiple submitters, no conflicts (2 of 4 stars). 2 submissions from 2 submitters: Likely pathogenic (2). Last evaluated 2025-11-05.

Allele frequency attached by ClinVar (database versions not stated): TOPMed below 0.00001; gnomAD 0.00001.
gnomAD v4.1: 1 of 1,544,222 alleles (0.000065%); highest among the groups gnomAD compares: African/African-American, 0.0014%; no homozygotes.

Submissions (2):

GeneDx
Classification: Likely pathogenic. Last evaluated: 2025-11-05. Review status: criteria provided, single submitter. Criteria: GeneDx Variant Classification Process June 2021. Collection method: clinical testing. Allele origin: germline.
Comment: Canonical splice site variant predicted to result in an in-frame loss of the adjacent exon in a gene for which loss of function is a known mechanism of disease; Not observed at significant frequency in large population cohorts (gnomAD); Has not been previously published as pathogenic or benign to our knowledge

Labcorp Genetics (formerly Invitae), Labcorp
Classification: Likely pathogenic. Last evaluated: 2021-04-04. Review status: criteria provided, single submitter. Criteria: Invitae Variant Classification Sherloc (09022015). Collection method: clinical testing. Allele origin: germline.
Comment: Algorithms developed to predict the effect of sequence changes on RNA splicing suggest that this variant may disrupt the consensus splice site, but this prediction has not been confirmed by published transcriptional studies. In summary, the currently available evidence indicates that the variant is pathogenic, but additional data are needed to prove that conclusively. Therefore, this variant has been classified as Likely Pathogenic. This variant has not been reported in the literature in individuals with UNC80-related conditions. This variant is not present in population databases (ExAC no frequency). This sequence change affects an acceptor splice site in intron 46 of the UNC80 gene. It is expected to disrupt RNA splicing. Variants that disrupt the donor or acceptor splice site typically lead to a loss of protein function (PMID: 16199547), and loss-of-function variants in UNC80 are known to be pathogenic (PMID: 26545877, 26708751, 26708753).

Literature cited by the submitters: PubMed 16199547 (cited by Labcorp Genetics (formerly Invitae), Labcorp); PubMed 26545877 (cited by Labcorp Genetics (formerly Invitae), Labcorp); PubMed 26708751 (cited by Labcorp Genetics (formerly Invitae), Labcorp); PubMed 26708753 (cited by Labcorp Genetics (formerly Invitae), Labcorp).

NM_001371986.1(UNC80):c.7287-1G>A

Gene: UNC80 (unc-80 subunit of NALCN channel complex; plus strand). Cytogenetic location: 2q34.
Variant type: single nucleotide variant.
Coding change: c.7287-1G>A on transcript NM_001371986.1 (MANE Select); the canonical splice acceptor site of the intron before coding-DNA position 7287, G replaced by A.
Molecular consequence: splice acceptor variant.
Genome position (GRCh38, 1-based): chr2:209,954,099, G>A. VCF-style: chr2-209954099-G-A. GRCh37 (hg19) VCF-style: chr2-210818823-G-A.
Other names: c.7089-1G>A (NM_032504.2); c.7074-1G>A (NM_182587.4).
Identifiers: ClinVar variation 1468092 (VCV001468092.10), dbSNP rs1455910574, ClinGen allele CA350775111.